The following is an entry in ClinVar:

NM_001113490.2(AMOT):c.2738T>C (p.Val913Ala)

Gene: AMOT (angiomotin; minus strand). Cytogenetic location: Xq23.
Variant type: single nucleotide variant.
Coding change: c.2738T>C on transcript NM_001113490.2 (MANE Select); coding-DNA position 2738, T replaced by C.
Protein change: p.Val913Ala; replaces valine 913 with alanine.
Molecular consequence: missense variant.
Genome position (GRCh38, 1-based): chrX:112,779,416, A>G on the plus strand (T>C on the coding strand, the complement: AMOT is on the minus strand). VCF-style: chrX-112779416-A-G. GRCh37 (hg19) VCF-style: chrX-112022644-A-G.
Other names: c.2738T>C, p.Val913Ala (NM_001386998.1, NM_001386999.1); c.1511T>C, p.Val504Ala (NM_133265.5); short protein forms V504A, V913A.
Identifiers: ClinVar variation 2661224 (VCV002661224.24), dbSNP rs200107563, ClinGen allele CA10494867.

ClinVar aggregate classification (germline): Likely benign (1 of 4 stars; one submission).

Allele frequency attached by ClinVar (database versions not stated): gnomAD exomes 0.00002; ExAC 0.00021; ESP Exome Variant Server 0.00239; 1000 Genomes Project 0.00768.
gnomAD v4.1: 19 of 1,109,792 alleles (0.0017%); highest among the groups gnomAD compares: South Asian, 0.03%; no homozygotes.

Submission:

CeGaT Center for Human Genetics Tuebingen
Classification: Likely benign. Last evaluated: 2023-08-01. Review status: criteria provided, single submitter. Criteria: CeGaT Center For Human Genetics Tuebingen Variant Classification Criteria Version 2. Collection method: clinical testing. Allele origin: germline. Affected: yes. Observed: 1 variant allele.
Comment: AMOT: BS2